The following is an entry in ClinVar:

NM_003060.4(SLC22A5):c.1384G>A (p.Gly462Ser)

Gene: SLC22A5 (solute carrier family 22 member 5; plus strand). Cytogenetic location: 5q31.1.
Variant type: single nucleotide variant.
Coding change: c.1384G>A on transcript NM_003060.4 (MANE Select); coding-DNA position 1384, G replaced by A.
Protein change: p.Gly462Ser; replaces glycine 462 with serine.
Molecular consequence: missense variant.
Genome position (GRCh38, 1-based): chr5:132,392,549, G>A. VCF-style: chr5-132392549-G-A. GRCh37 (hg19) VCF-style: chr5-131728241-G-A.
Other names: c.1456G>A, p.Gly486Ser (NM_001308122.2); short protein forms G486S, G462S.
Identifiers: ClinVar variation 1510523 (VCV001510523.8), dbSNP rs1193551446, ClinGen allele CA360809048.
Genomic context (GRCh38, chr5:132,392,549, plus strand): 5'-GCCTTTTCCATGGTCTACGTGTACACAGCCGAGCTGTATCCCACAGTGGTGAGAAACATG[G>A]GTGTGGGAGTCAGCTCCACAGCATCCCGCCTGGGCAGCATCCTGTCTCCCTACTTCGTTT-3'
Protein context (NP_003051.1, residues 452-472): ELYPTVVRNM[Gly462Ser]VGVSSTASRL

ClinVar aggregate classification (germline): Likely pathogenic (1 of 4 stars; one submission).

Conditions:
Renal carnitine transport defect (CDSP). Also called: Carnitine transporter deficiency; Carnitine Deficiency, Systemic; Primary carnitine deficiency; Systemic primary carnitine deficiency; CARNITINE DEFICIENCY, SYSTEMIC, DUE TO DEFECT IN RENAL REABSORPTION OF CARNITINE; CARNITINE TRANSPORTER, PLASMA-MEMBRANE, DEFICIENCY OF. Identifiers: Orphanet 158, MedGen C0342788, MONDO:0008919, OMIM 212140.

Submission:

Labcorp Genetics (formerly Invitae), Labcorp
Classification: Likely pathogenic for Renal carnitine transport defect. Last evaluated: 2022-12-27. Review status: criteria provided, single submitter. Criteria: Invitae Variant Classification Sherloc (09022015). Collection method: clinical testing. Allele origin: germline.
Comment: Advanced modeling of protein sequence and biophysical properties (such as structural, functional, and spatial information, amino acid conservation, physicochemical variation, residue mobility, and thermodynamic stability) has been performed at Invitae for this missense variant, however the output from this modeling did not meet the statistical confidence thresholds required to predict the impact of this variant on SLC22A5 protein function. In summary, the currently available evidence indicates that the variant is pathogenic, but additional data are needed to prove that conclusively. Therefore, this variant has been classified as Likely Pathogenic. This variant disrupts the p.Gly462 amino acid residue in SLC22A5. Other variant(s) that disrupt this residue have been determined to be pathogenic (PMID: 27629047, 28841266). This suggests that this residue is clinically significant, and that variants that disrupt this residue are likely to be disease-causing. ClinVar contains an entry for this variant (Variation ID: 1510523). This variant has not been reported in the literature in individuals affected with SLC22A5-related conditions. This variant is not present in population databases (gnomAD no frequency). This sequence change replaces glycine, which is neutral and non-polar, with serine, which is neutral and polar, at codon 462 of the SLC22A5 protein (p.Gly462Ser).

Literature cited by the submitters: PubMed 27629047; PubMed 28841266.